The following is an entry in ClinVar:

NM_000388.4(CASR):c.3117C>G (p.Asp1039Glu)

Gene: CASR (calcium sensing receptor; plus strand). Cytogenetic location: 3q21.1.
Variant type: single nucleotide variant.
Coding change: c.3117C>G on transcript NM_000388.4 (MANE Select); coding-DNA position 3117, C replaced by G.
Protein change: p.Asp1039Glu; replaces aspartic acid 1039 with glutamic acid.
Molecular consequence: missense variant.
Genome position (GRCh38, 1-based): chr3:122,285,071, C>G. VCF-style: chr3-122285071-C-G. GRCh37 (hg19) VCF-style: chr3-122003918-C-G.
Other names: c.3147C>G, p.Asp1049Glu (NM_001178065.2); short protein forms D1039E, D1049E.
Identifiers: ClinVar variation 3231571 (VCV003231571.1), dbSNP rs2473283813, ClinGen allele CA354161468.
Genomic context (GRCh38, chr3:122,285,071, plus strand): 5'-GGAAACGGACTTAGATCTGACCGTCCAGGAAACAGGTCTGCAAGGACCTGTGGGTGGAGA[C>G]CAGCGGCCAGAGGTGGAGGACCCTGAAGAGTTGTCCCCAGCACTTGTAGTGTCCAGTTCA-3'
Protein context (NP_000379.3, residues 1029-1049): ETGLQGPVGG[Asp1039Glu]QRPEVEDPEE

ClinVar aggregate classification (germline): Uncertain significance (1 of 4 stars; one submission).

Conditions:
Nephrolithiasis/nephrocalcinosis. Identifiers: MedGen CN580796.

Submission:

Ambry Genetics
Classification: Uncertain significance for Nephrolithiasis/nephrocalcinosis. Last evaluated: 2023-08-25. Review status: criteria provided, single submitter. Criteria: Ambry Variant Classification Scheme 2023. Collection method: clinical testing. Allele origin: germline.
Comment: The p.D1039E variant (also known as c.3117C>G), located in coding exon 6 of the CASR gene, results from a C to G substitution at nucleotide position 3117. The aspartic acid at codon 1039 is replaced by glutamic acid, an amino acid with highly similar properties. This amino acid position is conserved. In addition, this alteration is predicted to be tolerated by in silico analysis. Since supporting evidence is limited at this time, the clinical significance of this alteration remains unclear.